The following is an entry in ClinVar:

NC_000004.12:g.1395060A>G

Genes: CRIPAK (cysteine rich PAK1 inhibitor; plus strand), UVSSA (UV stimulated scaffold protein A; plus strand), LOC126806945 (P300/CBP strongly-dependent group 1 enhancer GRCh37_chr4:1388225-1389424; plus strand). Cytogenetic location: 4p16.3.
Variant type: single nucleotide variant.
Genome position: GRCh38 VCF-style: chr4-1395060-A-G. GRCh37 (hg19) VCF-style: chr4-1388848-A-G.
Identifiers: ClinVar variation 3905044 (VCV003905044.10).

ClinVar aggregate classification (germline): Likely benign (1 of 4 stars; one submission).

Submission:

CeGaT Center for Human Genetics Tuebingen
Classification: Likely benign. Last evaluated: 2025-08-01. Review status: criteria provided, single submitter. Criteria: CeGaT Center For Human Genetics Tuebingen Variant Classification Criteria Version 2. Collection method: clinical testing. Allele origin: germline. Affected: yes. Observed: 4 variant alleles.
Comment: CRIPAK: BP4, BP7